The following is an entry in ClinVar:

ClinVar aggregate classification (germline): Conflicting classifications of pathogenicity. Review status: criteria provided, conflicting classifications (1 of 4 stars). 2 submissions from 2 submitters: Likely pathogenic (1); Uncertain significance (1). Last evaluated 2025-07-25.

Conditions:
Galactosylceramide beta-galactosidase deficiency. Also called: Krabbe Disease; Leukodystrophy, Globoid Cell; GALACTOCEREBROSIDASE DEFICIENCY; GALC DEFICIENCY; GLOBOID CELL LEUKOENCEPHALOPATHY. Identifiers: Orphanet 487, MedGen C0023521, MONDO:0009499, OMIM 245200.

gnomAD v4.1: 1 of 1,611,056 alleles (0.000062%); highest among the groups gnomAD compares: Non-Finnish European, 0.000085%; no homozygotes.

Submissions (2):

Women's Health and Genetics/Laboratory Corporation of America, LabCorp
Classification: Uncertain significance. Last evaluated: 2025-07-25. Review status: criteria provided, single submitter. Criteria: LabCorp Variant Classification Summary - May 2015. Collection method: clinical testing. Allele origin: germline.
Comment: Variant summary: GALC c.236G>C (p.Arg79Pro) results in a non-conservative amino acid change located in the Glycosyl hydrolase family 59, catalytic domain of the encoded protein sequence. Algorithms developed to predict the effect of missense changes on protein structure and function all suggest that this variant is likely to be disruptive. The variant was absent in 249202 control chromosomes. The available data on variant occurrences in the general population are insufficient to allow any conclusion about variant significance. To our knowledge, no occurrence of c.236G>C in individuals affected with Krabbe Disease and no experimental evidence demonstrating its impact on protein function have been reported. ClinVar contains an entry for this variant (Variation ID: 2005036). Based on the evidence outlined above, the variant was classified as uncertain significance.

Labcorp Genetics (formerly Invitae), Labcorp
Classification: Likely pathogenic for Galactosylceramide beta-galactosidase deficiency. Last evaluated: 2022-06-12. Review status: criteria provided, single submitter. Criteria: Invitae Variant Classification Sherloc (09022015). Collection method: clinical testing. Allele origin: germline.
Comment: This sequence change replaces arginine, which is basic and polar, with proline, which is neutral and non-polar, at codon 79 of the GALC protein (p.Arg79Pro). This variant is not present in population databases (gnomAD no frequency). In summary, the currently available evidence indicates that the variant is pathogenic, but additional data are needed to prove that conclusively. Therefore, this variant has been classified as Likely Pathogenic. This variant disrupts the p.Arg79 amino acid residue in GALC. Other variant(s) that disrupt this residue have been determined to be pathogenic (PMID: 20886637, 27638593). This suggests that this residue is clinically significant, and that variants that disrupt this residue are likely to be disease-causing. Advanced modeling of protein sequence and biophysical properties (such as structural, functional, and spatial information, amino acid conservation, physicochemical variation, residue mobility, and thermodynamic stability) performed at Invitae indicates that this missense variant is expected to disrupt GALC protein function. This variant has not been reported in the literature in individuals affected with GALC-related conditions.

Literature cited by the submitters: PubMed 20886637 (cited by Labcorp Genetics (formerly Invitae), Labcorp); PubMed 27638593 (cited by Labcorp Genetics (formerly Invitae), Labcorp).

NM_000153.4(GALC):c.236G>C (p.Arg79Pro)

Gene: GALC (galactosylceramidase; minus strand). Cytogenetic location: 14q31.3.
Variant type: single nucleotide variant.
Coding change: c.236G>C on transcript NM_000153.4 (MANE Select); coding-DNA position 236, G replaced by C.
Protein change: p.Arg79Pro; replaces arginine 79 with proline.
Molecular consequence: missense variant. On other transcripts: intron variant (1).
Genome position (GRCh38, 1-based): chr14:87,988,483, C>G on the plus strand (G>C on the coding strand, the complement: GALC is on the minus strand). VCF-style: chr14-87988483-C-G. GRCh37 (hg19) VCF-style: chr14-88454827-C-G.
Other names: c.158G>C, p.Arg53Pro (NM_001201402.2); c.196-276G>C (NM_001201401.2); short protein forms R79P, R53P.
Identifiers: ClinVar variation 2005036 (VCV002005036.6), dbSNP rs370117160, ClinGen allele CA390753377.
Genomic context (GRCh38, chr14:87,988,483, plus strand): 5'-CAGGTACCATGAAATAATTATGTTTTCATTACCTTAAAGAGATAATCCAATATCTGAGAA[C>G]GATAGGGCTCTGGGTAATTTACTAGAAGTCGGGAGGTTGCCTAAAAAAAAAAGTTTTCAA-3'
Protein context (NP_000144.2, residues 69-89): RLLVNYPEPY[Arg79Pro]SQILDYLFKP